The following is an entry in ClinVar:

ClinVar aggregate classification (germline): Uncertain significance. Review status: criteria provided, multiple submitters, no conflicts (2 of 4 stars). 2 submissions from 2 submitters: Uncertain significance (2). Last evaluated 2024-09-05.

Allele frequency attached by ClinVar (database versions not stated): gnomAD exomes 0.00001; ExAC 0.00002; 1000 Genomes Project 30x 0.00031; 1000 Genomes Project 0.00040.
gnomAD v4.1: 19 of 1,613,774 alleles (0.0012%); highest among the groups gnomAD compares: African/African-American, 0.019%; no homozygotes.

Submissions (2):

Labcorp Genetics (formerly Invitae), Labcorp
Classification: Uncertain significance. Last evaluated: 2024-09-05. Review status: criteria provided, single submitter. Criteria: Invitae Variant Classification Sherloc (09022015). Collection method: clinical testing. Allele origin: germline.
Comment: This sequence change replaces alanine, which is neutral and non-polar, with glycine, which is neutral and non-polar, at codon 545 of the LIG1 protein (p.Ala545Gly). This variant is present in population databases (rs199848958, gnomAD 0.02%). This variant has not been reported in the literature in individuals affected with LIG1-related conditions. ClinVar contains an entry for this variant (Variation ID: 1326707). An algorithm developed to predict the effect of missense changes on protein structure and function (PolyPhen-2) suggests that this variant is likely to be disruptive. In summary, the available evidence is currently insufficient to determine the role of this variant in disease. Therefore, it has been classified as a Variant of Uncertain Significance.

GeneDx
Classification: Uncertain significance. Last evaluated: 2022-01-07. Review status: criteria provided, single submitter. Criteria: GeneDx Variant Classification Process June 2021. Collection method: clinical testing. Allele origin: germline. Affected: yes.
Comment: In silico analysis supports that this missense variant has a deleterious effect on protein structure/function; Has not been previously published as pathogenic or benign to our knowledge

NM_000234.3(LIG1):c.1634C>G (p.Ala545Gly)

Gene: LIG1 (DNA ligase 1; minus strand). Cytogenetic location: 19q13.33.
Variant type: single nucleotide variant.
Coding change: c.1634C>G on transcript NM_000234.3 (MANE Select); coding-DNA position 1634, C replaced by G.
Protein change: p.Ala545Gly; replaces alanine 545 with glycine.
Molecular consequence: missense variant. On other transcripts: non-coding transcript variant (6).
Genome position (GRCh38, 1-based): chr19:48,133,073, G>C on the plus strand (C>G on the coding strand, the complement: LIG1 is on the minus strand). VCF-style: chr19-48133073-G-C. GRCh37 (hg19) VCF-style: chr19-48636330-G-C.
Other names: c.1544C>G, p.Ala515Gly (NM_001320971.2); c.1541C>G, p.Ala514Gly (NM_001289063.2); c.1430C>G, p.Ala477Gly (NM_001289064.2); c.1631C>G, p.Ala544Gly (NM_001320970.2); short protein forms A477G, A514G, A515G, A544G, A545G.
Identifiers: ClinVar variation 1326707 (VCV001326707.7), dbSNP rs199848958, ClinGen allele CA9546759.
Genomic context (GRCh38, chr19:48,133,073, plus strand): 5'-CAGGTGAAAGCTGCCTCCTCAAAGCGTTTCAGGACCTCGCTGATGCCCCGGGTGGGATGG[G>C]CCAACATTGGTTTCAGGGGAATCCCTGGGAAAGGAGGAGAGTGAGTTAGAGGAGAGGGAA-3'
Protein context (NP_000225.1, residues 535-555): SPGIPLKPML[Ala545Gly]HPTRGISEVL